The following continues an entry in ClinVar:

NM_019032.6(ADAMTSL4):c.767_786del (p.Gln256fs)

ClinVar aggregate classification (germline): Pathogenic. Pathogenic (30).

Submissions 30 to 34 of 34:

Laboratory for Molecular Medicine, Mass General Brigham Personalized Medicine
Classification: Pathogenic for Isolated ectopia lentis. Last evaluated: 2014-11-14. Review status: criteria provided, single submitter. Criteria: LMM Criteria. Collection method: clinical testing. Allele origin: germline. Inheritance: Autosomal recessive inheritance. Observed: 2 variant alleles.
Comment: The p.Gln256ProfsX38 variant in ADAMTSL4 has been reported in >20 compound heter ozygous or homozygous individuals with ectopia lentis and was found to segregate with disease in 6 affected relatives from 5 families (Aragon -Martin 2010, Chri stensen 2010, Neuhann 2011, Chandra 2013, Overwater 2017). The p.Gln256ProfsX38 variant has been identified in 0.24% (306/126278) of European chromosomes by the Genome Aggregation Database (gnomAD; dbSNP r s199473693). Although this variant has been seen in the general population, its frequency is low enough to be consistent with a recessive carrier frequency. Thi s variant is predicted to cause a frameshift, which alters the protein?s amino a cid sequence beginning at position 256 and leads to a premature termination codo n 38 amino acids downstream. This alteration has been shown to lead to a truncat ed mRNA (Christensen 2010) and is predicted to lead to a truncated or absent pro tein. Complete loss-of-function of the ADAMTSL4 gene is an established disease m echanism in individuals with ectopia lentis. In summary, this variant meets our criteria to be classified as pathogenic for ectopia lentis in an autosomal reces sive manner based upon segregation studies and the impact of the variant. ACMG/A MP Criteria applied: PVS1; PM3_Very strong; PP1_Moderate.

Cunningham Lab, Seattle Childrens Research Institute
Classification: Pathogenic for Craniosynostosis with ectopia lentis. Last evaluated: 2021-11-01. Review status: no assertion criteria provided. Collection method: research. Allele origin: inherited. Inheritance: Autosomal recessive inheritance. Affected: yes. Not counted in ClinVar's aggregate classification.

OMIM
Classification: Pathogenic for ECTOPIA LENTIS ET PUPILLAE. Last evaluated: 2012-07-24. Review status: no assertion criteria provided. Collection method: literature only. Allele origin: germline. Not counted in ClinVar's aggregate classification.

OMIM
Classification: Pathogenic for ECTOPIA LENTIS 2, ISOLATED, AUTOSOMAL RECESSIVE. Last evaluated: 2012-07-24. Review status: no assertion criteria provided. Collection method: literature only. Allele origin: germline. Not counted in ClinVar's aggregate classification.

GeneReviews
No classification provided. Condition: Ectopia lentis et pupillae. Review status: no classification provided. Collection method: literature only. Allele origin: germline. Not counted in ClinVar's aggregate classification.

Literature cited by the submitters: PubMed 21051722 (cited by 8 submitters); PubMed 20564469 (cited by 7 submitters); PubMed 28642162 (cited by 5 submitters); PubMed 2056446 (cited by Labcorp Genetics (formerly Invitae), Labcorp); PubMed 22736615 (cited by 4 submitters); PubMed 22871183 (cited by 4 submitters); PubMed 25975359 (cited by 3 submitters); PubMed 36284667 (cited by Genetics Department, University Hospital of Toulouse); PubMed 22338190 (cited by Victorian Clinical Genetics Services, Murdoch Childrens Research Institute); PubMed 35378950 (cited by Victorian Clinical Genetics Services, Murdoch Childrens Research Institute); PubMed 20702823 (cited by 5 submitters).